The following is an entry in ClinVar:

ClinVar aggregate classification (germline): Uncertain significance (1 of 4 stars; one submission).

Conditions:
Dilated cardiomyopathy 1AA (CMD1AA). Also called: Cardiomyopathy, dilated, 1AA, with or without LVNC; CARDIOMYOPATHY, DILATED, 1AA, WITH OR WITHOUT LEFT VENTRICULAR NONCOMPACTION; CARDIOMYOPATHY, FAMILIAL HYPERTROPHIC, 23, WITH OR WITHOUT LEFT VENTRICULAR NONCOMPACTION. Identifiers: Orphanet 154, MedGen C2677338, MONDO:0012808, OMIM 612158.
Primary familial hypertrophic cardiomyopathy (HCM). Identifiers: Orphanet 99739, MedGen C0949658, MeSH D024741, MONDO:0024573. Inheritance: Various modes of inheritance.

Submission:

Labcorp Genetics (formerly Invitae), Labcorp
Classification: Uncertain significance for Primary familial hypertrophic cardiomyopathy; Dilated cardiomyopathy 1AA. Last evaluated: 2022-04-15. Review status: criteria provided, single submitter. Criteria: Invitae Variant Classification Sherloc (09022015). Collection method: clinical testing. Allele origin: germline.
Comment: In summary, the available evidence is currently insufficient to determine the role of this variant in disease. Therefore, it has been classified as a Variant of Uncertain Significance. Algorithms developed to predict the effect of missense changes on protein structure and function (SIFT, PolyPhen-2, Align-GVGD) all suggest that this variant is likely to be disruptive. This sequence change replaces glycine, which is neutral and non-polar, with cysteine, which is neutral and slightly polar, at codon 183 of the ACTN2 protein (p.Gly183Cys). This variant is not present in population databases (gnomAD no frequency). This variant has not been reported in the literature in individuals affected with ACTN2-related conditions.

NM_001103.4(ACTN2):c.547G>T (p.Gly183Cys)

Gene: ACTN2 (actinin alpha 2; plus strand). Cytogenetic location: 1q43.
Variant type: single nucleotide variant.
Coding change: c.547G>T on transcript NM_001103.4 (MANE Select); coding-DNA position 547, G replaced by T.
Protein change: p.Gly183Cys; replaces glycine 183 with cysteine.
Molecular consequence: missense variant. On other transcripts: 5 prime UTR variant (1).
Genome position (GRCh38, 1-based): chr1:236,727,688, G>T. VCF-style: chr1-236727688-G-T. GRCh37 (hg19) VCF-style: chr1-236890988-G-T.
Other names: c.547G>T, p.Gly183Cys (NM_001278343.2); c.-275G>T (NM_001278344.2); c.-400G>T (NM_001412150.1); short protein forms G183C.
Identifiers: ClinVar variation 2126153 (VCV002126153.4), dbSNP rs2527564942, ClinGen allele CA345375352.
Genomic context (GRCh38, chr1:236,727,688, plus strand): 5'-TTCTTTCTCTCCACTAACACGTGTTCCTGTTCTTCTCGACGGCTGTGAAGCTGGAAAGAT[G>T]GCCTTGGACTCTGTGCCCTCATCCACCGACACCGGCCTGACCTCATTGACTACTCAAAGC-3'
Protein context (NP_001094.1, residues 173-193): IQNFHTSWKD[Gly183Cys]LGLCALIHRH